The following is an entry in ClinVar:

ClinVar aggregate classification (germline): Uncertain significance (1 of 4 stars; one submission).

Allele frequency attached by ClinVar (database versions not stated): TOPMed 0.00001.

Submission:

Labcorp Genetics (formerly Invitae), Labcorp
Classification: Uncertain significance. Last evaluated: 2022-07-20. Review status: criteria provided, single submitter. Criteria: Invitae Variant Classification Sherloc (09022015). Collection method: clinical testing. Allele origin: germline.
Comment: In summary, the available evidence is currently insufficient to determine the role of this variant in disease. Therefore, it has been classified as a Variant of Uncertain Significance. Algorithms developed to predict the effect of missense changes on protein structure and function are either unavailable or do not agree on the potential impact of this missense change (SIFT: "Deleterious"; PolyPhen-2: "Probably Damaging"; Align-GVGD: "Class C0"). This variant has not been reported in the literature in individuals affected with GUCY2C-related conditions. This variant is not present in population databases (gnomAD no frequency). This sequence change replaces phenylalanine, which is neutral and non-polar, with leucine, which is neutral and non-polar, at codon 827 of the GUCY2C protein (p.Phe827Leu).

NM_004963.4(GUCY2C):c.2481C>A (p.Phe827Leu)

Gene: GUCY2C (guanylate cyclase 2C; minus strand). Cytogenetic location: 12p12.3.
Variant type: single nucleotide variant.
Coding change: c.2481C>A on transcript NM_004963.4 (MANE Select); coding-DNA position 2481, C replaced by A.
Protein change: p.Phe827Leu; replaces phenylalanine 827 with leucine.
Molecular consequence: missense variant.
Genome position (GRCh38, 1-based): chr12:14,622,125, G>T on the plus strand (C>A on the coding strand, the complement: GUCY2C is on the minus strand). VCF-style: chr12-14622125-G-T. GRCh37 (hg19) VCF-style: chr12-14775059-G-T.
Other names: short protein forms F827L.
Identifiers: ClinVar variation 1952959 (VCV001952959.5), dbSNP rs1193197787, ClinGen allele CA383995367.
Genomic context (GRCh38, chr12:14,622,125, plus strand): 5'-GTCCACCACTTCCATGGGGGTGCTGTATTTGCAGATAGTAGTGAAACCTACAATGTCACT[G>T]AAGTAGATTGTAACTTCCTCATATAGTTCCGGCTCCACAAAGCCTTTCTCCTTCAGAGAC-3'
Protein context (NP_004954.2, residues 817-837): PELYEEVTIY[Phe827Leu]SDIVGFTTIC